The following is an entry in ClinVar:

NM_012123.4(MTO1):c.2070_2073del (p.Arg690fs)

Gene: MTO1 (mitochondrial tRNA translation optimization 1; plus strand). Cytogenetic location: 6q13.
Variant type: Microsatellite.
Coding change: c.2070_2073del on transcript NM_012123.4 (MANE Select); coding-DNA positions 2070 to 2073, 4 bases deleted (AGAG; older notation c.2070_2073delAGAG).
Protein change: p.Arg690fs; shifts the reading frame from arginine 690.
Molecular consequence: frameshift variant.
Genome position (GRCh38, 1-based): chr6:73,500,726-73,500,729, AGAG deleted; deleting any 4 consecutive bases within chr6:73,500,720-73,500,729 gives the same sequence; the c. name uses the placement nearest the transcript's 3' end. VCF-style (leftmost placement, unchanged base first): chr6-73500719-AAGAG-A. GRCh37 (hg19) VCF-style: chr6-74210442-AAGAG-A.
Other names: c.2190_2193del, p.Arg730fs (NM_001123226.2); c.2145_2148del, p.Arg715fs (NM_133645.3); short protein forms R715fs, R730fs, R690fs.
Identifiers: ClinVar variation 2025128 (VCV002025128.3), dbSNP rs759445569, ClinGen allele CA3889818.
Genomic context (GRCh38, chr6:73,500,719, plus strand): 5'-AGTCGGCTATGAATGAATCATCCAAGACTGATCAATACTTATGTGATGCAGACAGACTTC[AAGAG>A]AGAGAGTTATAGCTTTCAATTCATAAAAGATTTTTAAAGAGCATATAAATAATTTGATCA-3'

ClinVar aggregate classification (germline): Uncertain significance (1 of 4 stars; one submission).

Conditions:
Mitochondrial hypertrophic cardiomyopathy with lactic acidosis due to MTO1 deficiency. Also called: Combined oxidative phosphorylation deficiency 10; CARDIOMYOPATHY, INFANTILE HYPERTROPHIC MITOCHONDRIAL, AND LACTIC ACIDOSIS. Identifiers: Orphanet 314637, MedGen C4749921, MONDO:0013865, OMIM 614702.

Submission:

Labcorp Genetics (formerly Invitae), Labcorp
Classification: Uncertain significance for Mitochondrial hypertrophic cardiomyopathy with lactic acidosis due to MTO1 deficiency. Last evaluated: 2022-08-20. Review status: criteria provided, single submitter. Criteria: Invitae Variant Classification Sherloc (09022015). Collection method: clinical testing. Allele origin: germline.
Comment: In summary, the available evidence is currently insufficient to determine the role of this variant in disease. Therefore, it has been classified as a Variant of Uncertain Significance. Experimental studies and prediction algorithms are not available or were not evaluated, and the functional significance of this variant is currently unknown. This variant has not been reported in the literature in individuals affected with MTO1-related conditions. This variant is present in population databases (rs765037509, gnomAD 0.002%). This sequence change results in a frameshift in the MTO1 gene (p.Arg690Serfs*11). While this is not anticipated to result in nonsense mediated decay, it is expected to disrupt the last 3 amino acid(s) of the MTO1 protein and extend the protein by 7 additional amino acid residues.